The following is an entry in ClinVar:

NM_020975.6(RET):c.3163A>T (p.Thr1055Ser)

Gene: RET (ret proto-oncogene; plus strand). Cytogenetic location: 10q11.21.
Variant type: single nucleotide variant.
Coding change: c.3163A>T on transcript NM_020975.6 (MANE Select); coding-DNA position 3163, A replaced by T.
Protein change: p.Thr1055Ser; replaces threonine 1055 with serine.
Molecular consequence: missense variant. On other transcripts: intron variant (4).
Genome position (GRCh38, 1-based): chr10:43,126,698, A>T. VCF-style: chr10-43126698-A-T. GRCh37 (hg19) VCF-style: chr10-43622146-A-T.
Other names: c.3163A>T, p.Thr1055Ser (NM_000323.2, NM_001406743.1, NM_001406744.1 and 2 more transcripts); c.2401A>T, p.Thr801Ser (NM_001355216.2); c.3034A>T, p.Thr1012Ser (NM_001406761.1, NM_001406762.1, NM_001406764.1); c.3028A>T, p.Thr1010Ser (NM_001406763.1, NM_001406765.1); c.2875A>T, p.Thr959Ser (NM_001406766.1, NM_001406767.1, NM_001406770.1); c.2899A>T, p.Thr967Ser (NM_001406768.1); c.2767A>T, p.Thr923Ser (NM_001406769.1, NM_001406772.1); c.2725A>T, p.Thr909Ser (NM_001406771.1, NM_001406773.1); and 13 more; short protein forms T1012S, T1055S, T660S, T813S, T909S, T572S, T725S, T756S.
Identifiers: ClinVar variation 2496742 (VCV002496742.5), dbSNP rs1439440590, ClinGen allele CA376558516.

ClinVar aggregate classification (germline): Uncertain significance. Review status: criteria provided, multiple submitters, no conflicts (2 of 4 stars). 3 submissions from 3 submitters: Uncertain significance (3). Last evaluated 2025-09-17.

Conditions:
Hereditary cancer-predisposing syndrome. Also called: Neoplastic Syndromes, Hereditary; Hereditary neoplastic syndrome; Tumor predisposition; Hereditary Cancer Syndrome. Identifiers: Orphanet 140162, MedGen C0027672, MeSH D009386, MONDO:0015356.
Multiple endocrine neoplasia, type 2 (MEN2). Identifiers: Orphanet 653, MedGen C4048306, MONDO:0019003. Disease mechanism: gain of function.

Submissions (3):

Color Diagnostics, LLC DBA Color Health
Classification: Uncertain significance for Multiple endocrine neoplasia, type 2. Last evaluated: 2025-09-17. Review status: criteria provided, single submitter. Criteria: ACMG Guidelines, 2015. Collection method: clinical testing. Allele origin: germline.
Comment: This missense variant replaces threonine with serine at codon 1055 of the RET protein. Computational prediction is inconclusive regarding the impact of this variant on protein structure and function. To our knowledge, functional studies have not been reported for this variant. This variant has not been reported in individuals affected with RET-related disorders in the literature. This variant has not been identified in the general population by the Genome Aggregation Database (gnomAD). The available evidence is insufficient to determine the role of this variant in disease conclusively. Therefore, this variant is classified as a Variant of Uncertain Significance.

Labcorp Genetics (formerly Invitae), Labcorp
Classification: Uncertain significance for Multiple endocrine neoplasia, type 2. Last evaluated: 2024-05-05. Review status: criteria provided, single submitter. Criteria: Invitae Variant Classification Sherloc (09022015). Collection method: clinical testing. Allele origin: germline.
Comment: This sequence change replaces threonine, which is neutral and polar, with serine, which is neutral and polar, at codon 1055 of the RET protein (p.Thr1055Ser). This variant is not present in population databases (gnomAD no frequency). This variant has not been reported in the literature in individuals affected with RET-related conditions. ClinVar contains an entry for this variant (Variation ID: 2496742). An algorithm developed to predict the effect of missense changes on protein structure and function (PolyPhen-2) suggests that this variant is likely to be disruptive. In summary, the available evidence is currently insufficient to determine the role of this variant in disease. Therefore, it has been classified as a Variant of Uncertain Significance.

Ambry Genetics
Classification: Uncertain significance for Hereditary cancer-predisposing syndrome. Last evaluated: 2023-01-08. Review status: criteria provided, single submitter. Criteria: Ambry Variant Classification Scheme 2023. Collection method: clinical testing. Allele origin: germline.
Comment: The p.T1055S variant (also known as c.3163A>T), located in coding exon 19 of the RET gene, results from an A to T substitution at nucleotide position 3163. The threonine at codon 1055 is replaced by serine, an amino acid with similar properties. This amino acid position is conserved. In addition, this alteration is predicted to be deleterious by in silico analysis. Since supporting evidence is limited at this time, the clinical significance of this alteration remains unclear.